The following is an entry in ClinVar:

ClinVar aggregate classification (germline): Uncertain significance. Review status: criteria provided, single submitter (1 of 4 stars). 3 submissions from 3 submitters: Uncertain significance (1). 2 of the submissions do not count toward it. Last evaluated 2022-09-06.

Conditions:
Autosomal recessive limb-girdle muscular dystrophy type 2J (LGMDR10). Also called: Limb-girdle muscular dystrophy, type 2J; MUSCULAR DYSTROPHY, LIMB-GIRDLE, AUTOSOMAL RECESSIVE 10. Identifiers: Orphanet 140922, MedGen C1837342, MONDO:0012127, OMIM 608807.
Dilated cardiomyopathy 1G (CMD1G). Identifiers: Orphanet 154, MedGen C1858763, MONDO:0011400, OMIM 604145.

Allele frequency attached by ClinVar (database versions not stated): gnomAD exomes below 0.00001; TOPMed 0.00003.
gnomAD v4.1: 2 of 1,613,982 alleles (0.00012%); highest among the groups gnomAD compares: African/African-American, 0.0013%; no homozygotes.

Submissions (3):

Labcorp Genetics (formerly Invitae), Labcorp
Classification: Uncertain significance for Dilated cardiomyopathy 1G; Autosomal recessive limb-girdle muscular dystrophy type 2J. Last evaluated: 2022-09-06. Review status: criteria provided, single submitter. Criteria: Invitae Variant Classification Sherloc (09022015). Collection method: clinical testing. Allele origin: germline.
Comment: In summary, the available evidence is currently insufficient to determine the role of this variant in disease. Therefore, it has been classified as a Variant of Uncertain Significance. This variant is located in the M band of TTN (PMID: 25589632). Variants in this region may be relevant for neuromuscular disorders, but have not been definitively shown to cause cardiomyopathy (PMID: 23975875). Experimental studies and prediction algorithms are not available or were not evaluated, and the functional significance of this variant is currently unknown. ClinVar contains an entry for this variant (Variation ID: 641365). This variant has not been reported in the literature in individuals affected with TTN-related conditions. This variant is not present in population databases (gnomAD no frequency). This sequence change replaces glutamic acid, which is acidic and polar, with glycine, which is neutral and non-polar, at codon 34828 of the TTN protein (p.Glu34828Gly).

Clinical Genetics DNA and cytogenetics Diagnostics Lab, Erasmus MC, Erasmus Medical Center
Classification: Uncertain significance. Review status: no assertion criteria provided. Collection method: clinical testing. Allele origin: germline. Affected: yes. Study: VKGL Data-share Consensus. Not counted in ClinVar's aggregate classification.

Clinical Genetics, Academic Medical Center
Classification: Uncertain significance. Review status: no assertion criteria provided. Collection method: clinical testing. Allele origin: germline. Affected: yes. Study: VKGL Data-share Consensus. Not counted in ClinVar's aggregate classification.

Literature cited by the submitters: PubMed 25589632 (cited by Labcorp Genetics (formerly Invitae), Labcorp); PubMed 23975875 (cited by Labcorp Genetics (formerly Invitae), Labcorp).

NM_001267550.2(TTN):c.104483A>G (p.Glu34828Gly)

Genes: TTN-AS1 (TTN antisense RNA 1; plus strand), TTN (titin; minus strand). Cytogenetic location: 2q31.2.
Variant type: single nucleotide variant.
Coding change: c.104483A>G on transcript NM_001267550.2 (MANE Select); coding-DNA position 104483, A replaced by G.
Protein change: p.Glu34828Gly; replaces glutamic acid 34828 with glycine.
Molecular consequence: missense variant.
Genome position (GRCh38, 1-based): chr2:178,532,132, T>C on the plus strand (A>G on the coding strand, the complement: TTN is on the minus strand). VCF-style: chr2-178532132-T-C. GRCh37 (hg19) VCF-style: chr2-179396859-T-C.
Other names: c.99560A>G, p.Glu33187Gly (NM_001256850.1); c.77288A>G, p.Glu25763Gly (NM_003319.4); c.96779A>G, p.Glu32260Gly (NM_133378.4); c.77663A>G, p.Glu25888Gly (NM_133432.3); c.77864A>G, p.Glu25955Gly (NM_133437.4); short protein forms E25888G, E25955G, E25763G, E34828G, E32260G, E33187G.
Identifiers: ClinVar variation 641365 (VCV000641365.12), dbSNP rs975412383, ClinGen allele CA60956191.